The following is an entry in ClinVar:

ClinVar aggregate classification (germline): Conflicting classifications of pathogenicity. Review status: criteria provided, conflicting classifications (1 of 4 stars). 4 submissions from 4 submitters: Uncertain significance (2); Benign (1); Likely benign (1). Last evaluated 2025-10-18.

Conditions:
Dilated cardiomyopathy 1GG (CMD1GG). Identifiers: Orphanet 154, MedGen C3150898, MONDO:0013339, OMIM 613642.
Neurodegeneration with ataxia and late-onset optic atrophy. Identifiers: MedGen C5543254, MONDO:0031006, OMIM 619259.
Mitochondrial complex II deficiency, nuclear type 1. Also called: SUCCINATE CoQ REDUCTASE DEFICIENCY. Identifiers: Orphanet 3208, MedGen C5700310, MONDO:0100294, OMIM 252011.
Pheochromocytoma/paraganglioma syndrome 5. Also called: Paragangliomas 5; SDHA-Related Hereditary Paraganglioma-Pheochromocytoma Syndrome. Identifiers: Orphanet 29072, MedGen C3279992, MONDO:0013602, OMIM 614165.
Hereditary cancer-predisposing syndrome. Also called: Neoplastic Syndromes, Hereditary; Tumor predisposition; Hereditary neoplastic syndrome; Hereditary Cancer Syndrome. Identifiers: Orphanet 140162, MedGen C0027672, MeSH D009386, MONDO:0015356.

Allele frequency attached by ClinVar (database versions not stated): gnomAD below 0.00001 and 0.00001; TOPMed 0.00001.

Submissions (4):

Labcorp Genetics (formerly Invitae), Labcorp
Classification: Uncertain significance for Pheochromocytoma/paraganglioma syndrome 5; Mitochondrial complex II deficiency, nuclear type 1. Last evaluated: 2025-10-18. Review status: criteria provided, single submitter. Criteria: Invitae Variant Classification Sherloc (09022015). Collection method: clinical testing. Allele origin: germline.
Comment: This sequence change affects codon 68 of the SDHA mRNA. It is a 'silent' change, meaning that it does not change the encoded amino acid sequence of the SDHA protein. This variant is not present in population databases (gnomAD no frequency). This variant has not been reported in the literature in individuals affected with SDHA-related conditions. ClinVar contains an entry for this variant (Variation ID: 539655). RNA analysis provides insufficient evidence to determine the effect of this variant on SDHA splicing (internal data). In summary, the available evidence is currently insufficient to determine the role of this variant in disease. Therefore, it has been classified as a Variant of Uncertain Significance.

Myriad Genetics, Inc.
Classification: Benign for Pheochromocytoma/paraganglioma syndrome 5. Last evaluated: 2025-02-28. Review status: criteria provided, single submitter. Criteria: Myriad Autosomal Dominant, Autosomal Recessive and X-Linked Classification Criteria (2023). Collection method: clinical testing. Allele origin: unknown.
Comment: This variant is considered benign. This variant is a silent/synonymous amino acid change and it is not expected to impact splicing.

Fulgent Genetics
Classification: Uncertain significance for Mitochondrial complex II deficiency, nuclear type 1; Dilated cardiomyopathy 1GG; Pheochromocytoma/paraganglioma syndrome 5; Neurodegeneration with ataxia and late-onset optic atrophy. Last evaluated: 2021-11-22. Review status: criteria provided, single submitter. Criteria: ACMG Guidelines, 2015. Collection method: clinical testing. Allele origin: unknown.

Ambry Genetics
Classification: Likely benign for Hereditary cancer-predisposing syndrome. Last evaluated: 2016-08-30. Review status: criteria provided, single submitter. Criteria: Ambry Variant Classification Scheme 2023. Collection method: clinical testing. Allele origin: germline.

NM_004168.4(SDHA):c.204C>T (p.Gly68=)

Gene: SDHA (succinate dehydrogenase complex flavoprotein subunit A; plus strand). Cytogenetic location: 5p15.33.
Variant type: single nucleotide variant.
Coding change: c.204C>T on transcript NM_004168.4 (MANE Select); coding-DNA position 204, C replaced by T.
Protein change: p.Gly68=; no amino-acid change (glycine 68 retained).
Molecular consequence: synonymous variant.
Genome position (GRCh38, 1-based): chr5:224,413, C>T. VCF-style: chr5-224413-C-T. GRCh37 (hg19) VCF-style: chr5-224528-C-T.
Other names: c.204C>T, p.Gly68= (NM_001294332.2, NM_001330758.2).
Identifiers: ClinVar variation 539655 (VCV000539655.13), dbSNP rs1055082816, ClinGen allele CA442690857.